The following is an entry in ClinVar:

ClinVar aggregate classification (germline): Uncertain significance. Review status: criteria provided, multiple submitters, no conflicts (2 of 4 stars). 2 submissions from 2 submitters: Uncertain significance (2). Last evaluated 2024-04-22.

Conditions:
Inborn genetic diseases. Identifiers: MedGen C0950123, MeSH D030342.

Allele frequency attached by ClinVar (database versions not stated): TOPMed 0.00022; gnomAD 0.00024; gnomAD exomes 0.00030; ESP Exome Variant Server 0.00031; ExAC 0.00036.

Submissions (2):

Ambry Genetics
Classification: Uncertain significance for Inborn genetic diseases. Last evaluated: 2024-04-22. Review status: criteria provided, single submitter. Criteria: Ambry Variant Classification Scheme 2023. Collection method: clinical testing. Allele origin: germline.

Mayo Clinic Laboratories, Mayo Clinic
Classification: Uncertain significance. Last evaluated: 2022-11-17. Review status: criteria provided, single submitter. Criteria: ACMG Guidelines, 2015. Collection method: clinical testing. Allele origin: germline. Observed: 1 variant allele.
Comment: BP4

NM_198565.3(NRROS):c.1093A>C (p.Met365Leu)

Gene: NRROS (negative regulator of reactive oxygen species; plus strand). Cytogenetic location: 3q29.
Variant type: single nucleotide variant.
Coding change: c.1093A>C on transcript NM_198565.3 (MANE Select); coding-DNA position 1093, A replaced by C.
Protein change: p.Met365Leu; replaces methionine 365 with leucine.
Molecular consequence: missense variant.
Genome position (GRCh38, 1-based): chr3:196,660,736, A>C. VCF-style: chr3-196660736-A-C. GRCh37 (hg19) VCF-style: chr3-196387607-A-C.
Other names: p.Met365Leu; short protein forms M365L.
Identifiers: ClinVar variation 2341947 (VCV002341947.4), dbSNP rs62636590, ClinGen allele CA2781848.
Genomic context (GRCh38, chr3:196,660,736, plus strand): 5'-GACGGCTTCCTGAGGAAAATGCCTTCCCTCTCCCACCTGAACCTCCACCAGAATTGCCTG[A>C]TGACGCTTCACATTCGGGAGCACGAGCCCCCCGGAGCGCTCACCGAGCTGGACCTGAGCC-3'
Protein context (NP_940967.1, residues 355-375): SHLNLHQNCL[Met365Leu]TLHIREHEPP